The following is an entry in ClinVar:

ClinVar aggregate classification (germline): Uncertain significance. Review status: criteria provided, multiple submitters, no conflicts (2 of 4 stars). 3 submissions from 3 submitters: Uncertain significance (3). Last evaluated 2024-10-14.

Conditions:
Developmental and epileptic encephalopathy, 50 (DEE50). Also called: Epileptic encephalopathy, early infantile, 50. Identifiers: Orphanet 448010, MedGen C4225320, MONDO:0014647, OMIM 616457.

Allele frequency attached by ClinVar (database versions not stated): gnomAD 0.00004 and 0.00005; ExAC 0.00005; gnomAD exomes 0.00006 and 0.00007; TOPMed 0.00006; ESP Exome Variant Server 0.00008.

Submissions (3):

ARUP Laboratories, Molecular Genetics and Genomics, ARUP Laboratories
Classification: Uncertain significance for Developmental and epileptic encephalopathy, 50. Last evaluated: 2024-10-14. Review status: criteria provided, single submitter. Criteria: ARUP Molecular Germline Variant Investigation Process 2024. Collection method: clinical testing. Allele origin: germline.

Labcorp Genetics (formerly Invitae), Labcorp
Classification: Uncertain significance. Last evaluated: 2022-03-14. Review status: criteria provided, single submitter. Criteria: Invitae Variant Classification Sherloc (09022015). Collection method: clinical testing. Allele origin: germline.
Comment: This sequence change replaces methionine, which is neutral and non-polar, with valine, which is neutral and non-polar, at codon 1397 of the CAD protein (p.Met1397Val). This variant is present in population databases (rs375469380, gnomAD 0.04%). This variant has not been reported in the literature in individuals affected with CAD-related conditions. Algorithms developed to predict the effect of missense changes on protein structure and function (SIFT, PolyPhen-2, Align-GVGD) all suggest that this variant is likely to be tolerated. Algorithms developed to predict the effect of sequence changes on RNA splicing suggest that this variant may create or strengthen a splice site. In summary, the available evidence is currently insufficient to determine the role of this variant in disease. Therefore, it has been classified as a Variant of Uncertain Significance.

Breakthrough Genomics
Classification: Uncertain significance. Review status: criteria provided, single submitter. Criteria: ACMG Guidelines, 2015. Collection method: not provided. Allele origin: germline. Inheritance: Autosomal recessive inheritance. Affected: yes.

NM_004341.5(CAD):c.4189A>G (p.Met1397Val)

Gene: CAD (carbamoyl-phosphate synthetase 2, aspartate transcarbamylase, and dihydroorotase; plus strand). Cytogenetic location: 2p23.3.
Variant type: single nucleotide variant.
Coding change: c.4189A>G on transcript NM_004341.5 (MANE Select); coding-DNA position 4189, A replaced by G.
Protein change: p.Met1397Val; replaces methionine 1397 with valine.
Molecular consequence: missense variant.
Genome position (GRCh38, 1-based): chr2:27,236,398, A>G. VCF-style: chr2-27236398-A-G. GRCh37 (hg19) VCF-style: chr2-27459266-A-G.
Other names: c.4000A>G, p.Met1334Val (NM_001306079.2); short protein forms M1334V, M1397V.
Identifiers: ClinVar variation 1445568 (VCV001445568.7), dbSNP rs375469380, ClinGen allele CA1573455.